The following is an entry in ClinVar:

NM_001253697.2(ERBIN):c.3197T>C (p.Ile1066Thr)

Gene: ERBIN (erbb2 interacting protein; plus strand). Cytogenetic location: 5q12.3.
Variant type: single nucleotide variant.
Coding change: c.3197T>C on transcript NM_001253697.2 (MANE Select); coding-DNA position 3197, T replaced by C.
Protein change: p.Ile1066Thr; replaces isoleucine 1066 with threonine.
Molecular consequence: missense variant.
Genome position (GRCh38, 1-based): chr5:66,054,515, T>C. VCF-style: chr5-66054515-T-C. GRCh37 (hg19) VCF-style: chr5-65350343-T-C.
Other names: c.3197T>C (NM_001006600.2); c.3197T>C, p.Ile1066Thr (NM_001006600.3, NM_001253698.2, NM_001253699.2 and 1 more transcripts); c.3185T>C, p.Ile1062Thr (NM_001253701.2); short protein forms I1062T, I1066T.
Identifiers: ClinVar variation 1642538 (VCV001642538.9), dbSNP rs74993466, ClinGen allele CA3286607.

ClinVar aggregate classification (germline): Likely benign. Review status: criteria provided, multiple submitters, no conflicts (2 of 4 stars). 2 submissions from 2 submitters: Likely benign (2). Last evaluated 2025-11-25.

Conditions:
ERBIN-related disorder. Also called: ERBIN-related condition.

Allele frequency attached by ClinVar (database versions not stated): gnomAD 0.00009 and 0.00005; TOPMed 0.00010; gnomAD exomes 0.00011; 1000 Genomes Project 30x 0.00047; 1000 Genomes Project 0.00060.
gnomAD v4.1: 169 of 1,614,174 alleles (0.01%); highest among the groups gnomAD compares: East Asian, 0.33%; 2 homozygotes.

Submissions (2):

Labcorp Genetics (formerly Invitae), Labcorp
Classification: Likely benign. Last evaluated: 2025-11-25. Review status: criteria provided, single submitter. Criteria: Invitae Variant Classification Sherloc (09022015). Collection method: clinical testing. Allele origin: germline.

PreventionGenetics, part of Exact Sciences
Classification: Likely benign for ERBIN-related condition. Last evaluated: 2025-09-13. Review status: criteria provided, single submitter. Criteria: ACMG Guidelines, 2015. Collection method: clinical testing. Allele origin: germline.
Comment: This variant is classified as likely benign based on ACMG/AMP sequence variant interpretation guidelines (Richards et al. 2015 PMID: 25741868, with internal and published modifications).